The following is an entry in ClinVar:

NM_001035.3(RYR2):c.9502G>A (p.Val3168Ile)

Gene: RYR2 (ryanodine receptor 2; plus strand). Cytogenetic location: 1q43.
Variant type: single nucleotide variant.
Coding change: c.9502G>A on transcript NM_001035.3 (MANE Select); coding-DNA position 9502, G replaced by A.
Protein change: p.Val3168Ile; replaces valine 3168 with isoleucine.
Molecular consequence: missense variant.
Genome position (GRCh38, 1-based): chr1:237,705,265, G>A. VCF-style: chr1-237705265-G-A. GRCh37 (hg19) VCF-style: chr1-237868565-G-A.
Other names: short protein forms V3168I.
Identifiers: ClinVar variation 1435422 (VCV001435422.7), dbSNP rs1473666484, ClinGen allele CA345407573.

ClinVar aggregate classification (germline): Uncertain significance (1 of 4 stars; one submission).

Conditions:
Catecholaminergic polymorphic ventricular tachycardia 1. Also called: VENTRICULAR TACHYCARDIA, CATECHOLAMINERGIC POLYMORPHIC, 1, WITH OR WITHOUT ATRIAL DYSFUNCTION AND/OR DILATED CARDIOMYOPATHY; RYR2-Related Catecholaminergic Polymorphic Ventricular Tachycardia; VENTRICULAR TACHYCARDIA, STRESS-INDUCED POLYMORPHIC 1. Identifiers: Orphanet 3286, MedGen C1631597, MONDO:0011484, OMIM 604772.

Allele frequency attached by ClinVar (database versions not stated): gnomAD exomes below 0.00001 and 0.00001; TOPMed below 0.00001.
gnomAD v4.1: 5 of 1,606,554 alleles (0.00031%); highest among the groups gnomAD compares: African/African-American, 0.0053%; no homozygotes.

Submission:

Labcorp Genetics (formerly Invitae), Labcorp
Classification: Uncertain significance for Catecholaminergic polymorphic ventricular tachycardia 1. Last evaluated: 2022-05-28. Review status: criteria provided, single submitter. Criteria: Invitae Variant Classification Sherloc (09022015). Collection method: clinical testing. Allele origin: germline.
Comment: In summary, the available evidence is currently insufficient to determine the role of this variant in disease. Therefore, it has been classified as a Variant of Uncertain Significance. This variant has not been reported in the literature in individuals affected with RYR2-related conditions. Algorithms developed to predict the effect of missense changes on protein structure and function output the following: SIFT: "Tolerated"; PolyPhen-2: "Possibly Damaging"; Align-GVGD: "Class C0". The isoleucine amino acid residue is found in multiple mammalian species, which suggests that this missense change does not adversely affect protein function. ClinVar contains an entry for this variant (Variation ID: 1435422). This sequence change replaces valine, which is neutral and non-polar, with isoleucine, which is neutral and non-polar, at codon 3168 of the RYR2 protein (p.Val3168Ile). The frequency data for this variant in the population databases is considered unreliable, as metrics indicate poor data quality at this position in the gnomAD database.